The following is an entry in ClinVar:

NM_032607.3(CREB3L3):c.715-3C>T

Gene: CREB3L3 (cAMP responsive element binding protein 3 like 3; plus strand). Cytogenetic location: 19p13.3.
Variant type: single nucleotide variant.
Coding change: c.715-3C>T on transcript NM_032607.3 (MANE Select); 3 bases into the intron before coding-DNA position 715, C replaced by T.
Molecular consequence: intron variant.
Genome position (GRCh38, 1-based): chr19:4,168,348, C>T. VCF-style: chr19-4168348-C-T. GRCh37 (hg19) VCF-style: chr19-4168345-C-T.
Other names: c.715-1792C>T (NM_001271997.2); c.709-3C>T (NM_001271996.2); c.712-3C>T (NM_001271995.2).
Identifiers: ClinVar variation 2693798 (VCV002693798.3), dbSNP rs748712780, ClinGen allele CA9091444.

ClinVar aggregate classification (germline): Uncertain significance (1 of 4 stars; one submission).

Allele frequency attached by ClinVar (database versions not stated): ExAC 0.00001; gnomAD exomes 0.00001.
gnomAD v4.1: 7 of 1,606,366 alleles (0.00044%); highest among the groups gnomAD compares: Non-Finnish European, 0.0006%; no homozygotes.

Submission:

Labcorp Genetics (formerly Invitae), Labcorp
Classification: Uncertain significance. Last evaluated: 2023-05-26. Review status: criteria provided, single submitter. Criteria: Invitae Variant Classification Sherloc (09022015). Collection method: clinical testing. Allele origin: germline.
Comment: This variant is present in population databases (rs748712780, gnomAD 0.0009%). In summary, the available evidence is currently insufficient to determine the role of this variant in disease. Therefore, it has been classified as a Variant of Uncertain Significance. Variants that disrupt the consensus splice site are a relatively common cause of aberrant splicing (PMID: 17576681, 9536098). Algorithms developed to predict the effect of sequence changes on RNA splicing suggest that this variant is not likely to affect RNA splicing. This variant has not been reported in the literature in individuals affected with CREB3L3-related conditions. This sequence change falls in intron 5 of the CREB3L3 gene. It does not directly change the encoded amino acid sequence of the CREB3L3 protein. It affects a nucleotide within the consensus splice site.

Literature cited by the submitters: PubMed 17576681; PubMed 9536098.